The following is an entry in ClinVar:

NM_000059.4(BRCA2):c.5491A>T (p.Ile1831Leu)

Gene: BRCA2 (BRCA2 DNA repair associated; plus strand). Cytogenetic location: 13q13.1.
Variant type: single nucleotide variant.
Coding change: c.5491A>T on transcript NM_000059.4 (MANE Select); coding-DNA position 5491, A replaced by T.
Protein change: p.Ile1831Leu; replaces isoleucine 1831 with leucine.
Molecular consequence: missense variant.
Genome position (GRCh38, 1-based): chr13:32,339,846, A>T. VCF-style: chr13-32339846-A-T. GRCh37 (hg19) VCF-style: chr13-32913983-A-T.
Other names: c.5491A>T, p.Ile1831Leu (NM_001406719.1, NM_001406720.1); short protein forms I1831L.
Identifiers: ClinVar variation 1747862 (VCV001747862.6), dbSNP rs1593905631, ClinGen allele CA387785760.

ClinVar aggregate classification (germline): Conflicting classifications of pathogenicity. Review status: criteria provided, conflicting classifications (1 of 4 stars). 3 submissions from 3 submitters: Uncertain significance (2); Likely benign (1). Last evaluated 2024-06-19.

Conditions:
Hereditary breast ovarian cancer syndrome. Also called: Hereditary breast and ovarian cancer; BRCA1- and BRCA2-Associated Hereditary Breast and Ovarian Cancer; Hereditary breast and ovarian cancer syndrome (HBOC); Hereditary breast and ovarian cancer syndrome; Breast and ovarian cancer; Hereditary breast and/or ovarian cancer syndrome. Identifiers: Orphanet 145, MedGen C0677776, MeSH D061325, MONDO:0003582. Disease mechanism: loss of function.
Hereditary cancer-predisposing syndrome. Also called: Hereditary Cancer Syndrome; Hereditary neoplastic syndrome; Neoplastic Syndromes, Hereditary; Tumor predisposition. Identifiers: Orphanet 140162, MedGen C0027672, MeSH D009386, MONDO:0015356.

Submissions (3):

Labcorp Genetics (formerly Invitae), Labcorp
Classification: Uncertain significance for Hereditary breast ovarian cancer syndrome. Last evaluated: 2024-06-19. Review status: criteria provided, single submitter. Criteria: Invitae Variant Classification Sherloc (09022015). Collection method: clinical testing. Allele origin: germline.
Comment: This sequence change replaces isoleucine, which is neutral and non-polar, with leucine, which is neutral and non-polar, at codon 1831 of the BRCA2 protein (p.Ile1831Leu). This variant is not present in population databases (gnomAD no frequency). This variant has not been reported in the literature in individuals affected with BRCA2-related conditions. ClinVar contains an entry for this variant (Variation ID: 1747862). Advanced modeling of protein sequence and biophysical properties (such as structural, functional, and spatial information, amino acid conservation, physicochemical variation, residue mobility, and thermodynamic stability) performed at Invitae indicates that this missense variant is not expected to disrupt BRCA2 protein function with a negative predictive value of 95%. In summary, the available evidence is currently insufficient to determine the role of this variant in disease. Therefore, it has been classified as a Variant of Uncertain Significance.

University of Washington Department of Laboratory Medicine, University of Washington
Classification: Likely benign for Hereditary cancer-predisposing syndrome. Last evaluated: 2023-03-23. Review status: criteria provided, single submitter. Criteria: Dines et al. (Genet Med. 2020). Collection method: curation. Allele origin: germline.
Comment: Missense variant in a coldspot region where missense variants are very unlikely to be pathogenic (PMID:31911673).

BRCA2 exon 11 coldspot. Reclassification based on statistical prior probability.

Ambry Genetics
Classification: Uncertain significance for Hereditary cancer-predisposing syndrome. Last evaluated: 2021-12-07. Review status: criteria provided, single submitter. Criteria: Ambry Variant Classification Scheme 2023. Collection method: clinical testing. Allele origin: germline.
Comment: The p.I1831L variant (also known as c.5491A>T), located in coding exon 10 of the BRCA2 gene, results from an A to T substitution at nucleotide position 5491. The isoleucine at codon 1831 is replaced by leucine, an amino acid with highly similar properties. This amino acid position is conserved. In addition, this alteration is predicted to be tolerated by in silico analysis. Since supporting evidence is limited at this time, the clinical significance of this alteration remains unclear.